The following is an entry in ClinVar:

ClinVar aggregate classification (germline): Uncertain significance (1 of 4 stars; one submission).

gnomAD v4.1: 4 of 1,612,828 alleles (0.00025%); highest among the groups gnomAD compares: African/African-American, 0.0053%; no homozygotes.

Submission:

Women's Health and Genetics/Laboratory Corporation of America, LabCorp
Classification: Uncertain significance. Last evaluated: 2022-11-16. Review status: criteria provided, single submitter. Criteria: LabCorp Variant Classification Summary - May 2015. Collection method: clinical testing. Allele origin: germline.
Comment: Variant summary: HLCS c.1710C>G (p.Asn570Lys) results in a non-conservative amino acid change located in the catalytic domain (IPR004143) of the encoded protein sequence. Five of five in-silico tools predict a damaging effect of the variant on protein function. The variant allele was found at a frequency of 4e-06 in 251488 control chromosomes (gnomAD). The available data on variant occurrences in the general population are insufficient to allow any conclusion about variant significance. c.1710C>G has been reported in the literature in the compound heterozygous state together with a pathogenic variant in an individual affected with Holocarboxylase Synthetase Deficiency (Donti_2016). These data do not allow any strong conclusion about variant significance. To our knowledge, no experimental evidence demonstrating an impact on protein function has been reported. No clinical diagnostic laboratories have submitted clinical-significance assessments for this variant to ClinVar after 2014. Based on the evidence outlined above, the variant was classified as uncertain significance.

Literature cited by the submitters: PubMed 27114915.

NM_001352514.2(HLCS):c.2151C>G (p.Asn717Lys)

Gene: HLCS (holocarboxylase synthetase; minus strand). Cytogenetic location: 21q22.13.
Variant type: single nucleotide variant.
Coding change: c.2151C>G on transcript NM_001352514.2 (MANE Select); coding-DNA position 2151, C replaced by G.
Protein change: p.Asn717Lys; replaces asparagine 717 with lysine.
Molecular consequence: missense variant. On other transcripts: non-coding transcript variant (2).
Genome position (GRCh38, 1-based): chr21:36,759,812, G>C on the plus strand (C>G on the coding strand, the complement: HLCS is on the minus strand). VCF-style: chr21-36759812-G-C. GRCh37 (hg19) VCF-style: chr21-38132113-G-C.
Other names: c.1710C>G, p.Asn570Lys (NM_000411.8, NM_001242784.3, NM_001242785.2 and 4 more transcripts); short protein forms N570K, N717K.
Identifiers: ClinVar variation 1804678 (VCV001804678.1), dbSNP rs148709879, ClinGen allele CA320418836.